The following is an entry in ClinVar:

ClinVar aggregate classification (germline): Uncertain significance. Review status: criteria provided, multiple submitters, no conflicts (2 of 4 stars). 4 submissions from 4 submitters: Uncertain significance (4). Last evaluated 2026-09-15.

Conditions:
KIZ-related disorder. Also called: KIZ-related condition.

Allele frequency attached by ClinVar (database versions not stated): ExAC 0.00017; gnomAD exomes 0.00017 and 0.00052; gnomAD 0.00030 and 0.00031; TOPMed 0.00034; ESP Exome Variant Server 0.00058.
gnomAD v4.1: 834 of 1,613,794 alleles (0.052%); highest among the groups gnomAD compares: Non-Finnish European, 0.065%; 2 homozygotes.

Submissions (4):

PreventionGenetics, part of Exact Sciences
Classification: Uncertain significance for KIZ-related condition. Last evaluated: 2026-09-15. Review status: criteria provided, single submitter. Criteria: ACMG Guidelines, 2015. Collection method: clinical testing. Allele origin: germline.
Comment: The KIZ c.545C>A variant is predicted to result in the amino acid substitution p.Pro182His. To our knowledge, this variant has not been reported in the literature. This variant is reported in 0.038% of alleles in individuals of European (Non-Finnish) descent in gnomAD. At this time, the clinical significance of this variant is uncertain due to the absence of conclusive functional and genetic evidence.

Labcorp Genetics (formerly Invitae), Labcorp
Classification: Uncertain significance. Last evaluated: 2026-01-19. Review status: criteria provided, single submitter. Criteria: Invitae Variant Classification Sherloc (09022015). Collection method: clinical testing. Allele origin: germline.
Comment: This sequence change replaces proline, which is neutral and non-polar, with histidine, which is basic and polar, at codon 182 of the KIZ protein (p.Pro182His). This variant is present in population databases (rs201992227, gnomAD 0.04%). This variant has not been reported in the literature in individuals affected with KIZ-related conditions. ClinVar contains an entry for this variant (Variation ID: 942367). Experimental studies and prediction algorithms are not available or were not evaluated, and the functional significance of this variant is currently unknown. In summary, the available evidence is currently insufficient to determine the role of this variant in disease. Therefore, it has been classified as a Variant of Uncertain Significance.

Blueprint Genetics
Classification: Uncertain significance. Last evaluated: 2024-10-08. Review status: criteria provided, single submitter. Criteria: ACMG Guidelines, 2015. Collection method: clinical testing. Allele origin: germline.

Ambry Genetics
Classification: Uncertain significance. Last evaluated: 2024-02-05. Review status: criteria provided, single submitter. Criteria: Ambry Variant Classification Scheme 2023. Collection method: clinical testing. Allele origin: germline.

NM_018474.6(KIZ):c.545C>A (p.Pro182His)

Gene: KIZ (kizuna centrosomal protein; plus strand). Cytogenetic location: 20p11.23.
Variant type: single nucleotide variant.
Coding change: c.545C>A on transcript NM_018474.6 (MANE Select); coding-DNA position 545, C replaced by A.
Protein change: p.Pro182His; replaces proline 182 with histidine.
Molecular consequence: missense variant.
Genome position (GRCh38, 1-based): chr20:21,162,010, C>A. VCF-style: chr20-21162010-C-A. GRCh37 (hg19) VCF-style: chr20-21142651-C-A.
Other names: c.236C>A, p.Pro79His (NM_001163022.3, NM_001352435.2); c.146C>A, p.Pro49His (NM_001163023.3); c.398C>A, p.Pro133His (NM_001276389.2); c.545C>A, p.Pro182His (NM_001352434.2); c.203C>A, p.Pro68His (NM_001352436.2); c.545C>A (NM_018474.5); short protein forms P79H, P49H, P133H, P182H, P68H.
Identifiers: ClinVar variation 942367 (VCV000942367.8), dbSNP rs201992227, ClinGen allele CA9784667.